The following is an entry in ClinVar:

NM_000051.4(ATM):c.757G>A (p.Glu253Lys)

Gene: ATM (ATM serine/threonine kinase; plus strand). Cytogenetic location: 11q22.3.
Variant type: single nucleotide variant.
Coding change: c.757G>A on transcript NM_000051.4 (MANE Select); coding-DNA position 757, G replaced by A.
Protein change: p.Glu253Lys; replaces glutamic acid 253 with lysine.
Molecular consequence: missense variant.
Genome position (GRCh38, 1-based): chr11:108,244,882, G>A. VCF-style: chr11-108244882-G-A. GRCh37 (hg19) VCF-style: chr11-108115609-G-A.
Other names: c.757G>A, p.Glu253Lys (NM_001351834.2); short protein forms E253K.
Identifiers: ClinVar variation 1364544 (VCV001364544.5), dbSNP rs2135239944, ClinGen allele CA382529282.

ClinVar aggregate classification (germline): Uncertain significance (1 of 4 stars; one submission).

Conditions:
Ataxia-telangiectasia syndrome (AT). Also called: Cerebello-oculocutaneous telangiectasia; Immunodeficiency with ataxia telangiectasia; AT, COMPLEMENTATION GROUP C; Ataxia-telangiectasia, complementation group E; LOUIS-BAR SYNDROME; ATAXIA-TELANGIECTASIA, COMPLEMENTATION GROUP A. Identifiers: Orphanet 100, MedGen C0004135, MONDO:0008840, OMIM 208900.

Submission:

Labcorp Genetics (formerly Invitae), Labcorp
Classification: Uncertain significance for Ataxia-telangiectasia syndrome. Last evaluated: 2021-09-24. Review status: criteria provided, single submitter. Criteria: Invitae Variant Classification Sherloc (09022015). Collection method: clinical testing. Allele origin: germline.
Comment: This sequence change replaces glutamic acid with lysine at codon 253 of the ATM protein (p.Glu253Lys). The glutamic acid residue is weakly conserved and there is a small physicochemical difference between glutamic acid and lysine. This variant is not present in population databases (ExAC no frequency). This variant has not been reported in the literature in individuals affected with ATM-related conditions. Advanced modeling of protein sequence and biophysical properties (such as structural, functional, and spatial information, amino acid conservation, physicochemical variation, residue mobility, and thermodynamic stability) performed at Invitae indicates that this missense variant is not expected to disrupt ATM protein function. In summary, the available evidence is currently insufficient to determine the role of this variant in disease. Therefore, it has been classified as a Variant of Uncertain Significance.